The following is an entry in ClinVar:

NM_004380.3(CREBBP):c.719C>T (p.Ala240Val)

Gene: CREBBP (CREB binding lysine acetyltransferase; minus strand). Cytogenetic location: 16p13.3.
Variant type: single nucleotide variant.
Coding change: c.719C>T on transcript NM_004380.3 (MANE Select); coding-DNA position 719, C replaced by T.
Protein change: p.Ala240Val; replaces alanine 240 with valine.
Molecular consequence: missense variant.
Genome position (GRCh38, 1-based): chr16:3,850,376, G>A on the plus strand (C>T on the coding strand, the complement: CREBBP is on the minus strand). VCF-style: chr16-3850376-G-A. GRCh37 (hg19) VCF-style: chr16-3900377-G-A.
Other names: c.719C>T, p.Ala240Val (NM_001079846.1); short protein forms A240V.
Identifiers: ClinVar variation 2585494 (VCV002585494.2), dbSNP rs751321107, ClinGen allele CA7870627.

ClinVar aggregate classification (germline): Conflicting classifications of pathogenicity. Review status: criteria provided, conflicting classifications (1 of 4 stars). 2 submissions from 2 submitters: Uncertain significance (1); Likely benign (1). Last evaluated 2026-04-09.

Conditions:
Rubinstein-Taybi syndrome due to CREBBP mutations (RSTS1). Also called: RUBINSTEIN-TAYBI SYNDROME 1, INCOMPLETE; BROAD THUMB-HALLUX SYNDROME; RUBINSTEIN SYNDROME; BROAD THUMBS AND GREAT TOES, CHARACTERISTIC FACIES, AND IMPAIRED INTELLECTUAL DEVELOPMENT; CREBBP-Related Rubinstein-Taybi Syndrome; Rubinstein-Taybi syndrome 1. Identifiers: Orphanet 353277, Orphanet 783, MedGen C4551859, MONDO:0008393, OMIM 180849.

Allele frequency attached by ClinVar (database versions not stated): gnomAD exomes below 0.00001; ExAC 0.00001.

Submissions (2):

Centre for Medical Genetics,  Mumbai
Classification: Likely benign for Rubinstein-Taybi syndrome due to CREBBP mutations. Last evaluated: 2026-04-09. Review status: criteria provided, single submitter. Criteria: ACMG Guidelines, 2015. Collection method: provider interpretation. Allele origin: germline. Inheritance: Autosomal dominant inheritance. Affected: no. Observed: 1 variant allele, 1 heterozygote.
Comment: The variant satisfies PM2 criteria - extremely low frequency in gnomAD population databases. The variant satisfies PP2 criteria - missense variant in a gene with low rate of benign missense mutations and for which missense mutation is a common mechanism of a disease. However, the variant satisfies BS2 criteria - present in heterozygous state in an individual that clinically does not have Rubinstein-Taybi syndrome 1.

Neuberg Centre For Genomic Medicine, NCGM
Classification: Uncertain significance for Rubinstein-Taybi syndrome due to CREBBP mutations. Review status: criteria provided, single submitter. Criteria: ACMG Guidelines, 2015. Collection method: clinical testing. Allele origin: germline. Inheritance: Autosomal dominant inheritance. Affected: yes.
Comment: The missense variant c.719C>T (p.Ala240Val) in CREBBP gene has not been reported previously as a pathogenic variant nor as a benign variant, to our knowledge. The p.Ala240Val variant is novel (not in any individuals) in gnomAD Exomes and 1000 Genomes. The amino acid Ala at position 240 is changed to a Val changing protein sequence and it might alter its composition and physico-chemical properties. The amino acid change p.Ala240Val in CREBBP is predicted as conserved by GERP++ and PhyloP across 100 vertebrates. For these reasons, this variant has been classified as Uncertain Significance .

Literature cited by the submitters: PubMed 7630403 (cited by Centre for Medical Genetics,  Mumbai).